The following is an entry in ClinVar:

NM_001009944.3(PKD1):c.3063T>C (p.Gly1021=)

Gene: PKD1 (polycystin 1, transient receptor potential channel interacting; minus strand). Cytogenetic location: 16p13.3.
Variant type: single nucleotide variant.
Coding change: c.3063T>C on transcript NM_001009944.3 (MANE Select); coding-DNA position 3063, T replaced by C.
Protein change: p.Gly1021=; no amino-acid change (glycine 1021 retained).
Molecular consequence: synonymous variant.
Genome position (GRCh38, 1-based): chr16:2,112,886, A>G on the plus strand (T>C on the coding strand, the complement: PKD1 is on the minus strand). VCF-style: chr16-2112886-A-G. GRCh37 (hg19) VCF-style: chr16-2162887-A-G.
Other names: p.Gly1021=; c.3063T>C, p.Gly1021= (NM_000296.4).
Identifiers: ClinVar variation 256942 (VCV000256942.20), dbSNP rs2369068, ClinGen allele CA7832973.

ClinVar aggregate classification (germline): Benign. Review status: criteria provided, multiple submitters, no conflicts (2 of 4 stars). 10 submissions from 10 submitters: Benign (9). 1 of the submissions does not count toward it. Last evaluated 2025-03-27.

Conditions:
Autosomal dominant polycystic kidney disease. Identifiers: Orphanet 730, MedGen C0085413, MONDO:0004691.
Polycystic kidney disease, adult type (PKD1). Also called: Polycystic Kidney, Autosomal Dominant; Polycystic Kidney Disease 1, Autosomal Dominant; Polycystic kidney disease 1; Polycystic kidney disease 1, severe; POLYCYSTIC KIDNEY DISEASE 1 WITH OR WITHOUT POLYCYSTIC LIVER DISEASE; POLYCYSTIC KIDNEY DISEASE, ADULT, TYPE I. Identifiers: MedGen C3149841, MONDO:0008263, OMIM 173900.
Polycystic kidney disease. Also called: Polycystic kidney dysplasia; Kidney, Polycystic. Identifiers: MedGen C0022680, MeSH D007690, MONDO:0020642, HP:0000113.

Allele frequency attached by ClinVar (database versions not stated): gnomAD exomes 0.10088 and 0.10510; ExAC 0.11047; 1000 Genomes Project 0.18291; 1000 Genomes Project 30x 0.19082; gnomAD 0.19706 and 0.20812; TOPMed 0.21527; ESP Exome Variant Server 0.22576.
gnomAD v4.1: 177,669 of 1,606,556 alleles (11%); highest among the groups gnomAD compares: African/African-American, 47%; 15,703 homozygotes.

Submissions (10):

Women's Health and Genetics/Laboratory Corporation of America, LabCorp
Classification: Benign. Last evaluated: 2025-03-27. Review status: criteria provided, single submitter. Criteria: LabCorp Variant Classification Summary - May 2015. Collection method: clinical testing. Allele origin: germline.

Blueprint Genetics
Classification: Benign. Last evaluated: 2024-11-27. Review status: criteria provided, single submitter. Criteria: ACMG Guidelines, 2015. Collection method: clinical testing. Allele origin: germline.

Mayo Clinic Laboratories, Mayo Clinic
Classification: Benign. Last evaluated: 2022-04-26. Review status: criteria provided, single submitter. Criteria: ACMG Guidelines, 2015. Collection method: clinical testing. Allele origin: germline. Observed: 228 variant alleles.

ARUP Laboratories, Molecular Genetics and Genomics, ARUP Laboratories
Classification: Benign for Polycystic kidney disease, adult type. Last evaluated: 2020-07-07. Review status: criteria provided, single submitter. Criteria: ARUP Molecular Germline Variant Investigation Process. Collection method: clinical testing. Allele origin: germline.

GeneDx
Classification: Benign. Last evaluated: 2019-12-30. Review status: criteria provided, single submitter. Criteria: GeneDx Variant Classification Process June 2021. Collection method: clinical testing. Allele origin: germline. Affected: yes.
Comment: This variant is associated with the following publications: (PMID: 10364515)

Molecular Genetics of Inherited Kidney Disorders Laboratory, Garvan Institute of Medical Research
Classification: Benign for Autosomal dominant polycystic kidney disease. Last evaluated: 2019-01-01. Review status: criteria provided, single submitter. Criteria: ACMG Guidelines, 2015. Collection method: research. Allele origin: germline. Affected: yes.

Athena Diagnostics
Classification: Benign for Polycystic kidney disease, adult type. Last evaluated: 2017-06-05. Review status: criteria provided, single submitter. Criteria: Athena Diagnostics Criteria. Collection method: clinical testing. Allele origin: germline.

Breakthrough Genomics
Classification: Benign. Review status: criteria provided, single submitter. Criteria: ACMG Guidelines, 2015. Collection method: not provided. Allele origin: germline. Inheritance: Autosomal dominant inheritance. Affected: yes.

PreventionGenetics, part of Exact Sciences
Classification: Benign. Review status: criteria provided, single submitter. Criteria: ACMG Guidelines, 2015. Collection method: clinical testing. Allele origin: germline.

Department of Pathology and Laboratory Medicine, Sinai Health System
Classification: Benign for Polycystic Kidney disease. Review status: no assertion criteria provided. Collection method: clinical testing. Allele origin: unknown. Affected: yes. Study: The Canadian Open Genetics Repository (COGR). Not counted in ClinVar's aggregate classification.
Comment: The c.3063T>C, p.Gly1021Gly variant was identified in 11% of 13209 control alleles in the Exome Aggregation Consortium (March 14, 2016). According to ACMG guidelines for variant classification based on allele frequency, category BA1, this variant is considered benign and has not been further reviewed (Richards 2015).